The following is an entry in ClinVar:

NM_001384474.1(LOXHD1):c.611-15T>C

Gene: LOXHD1 (lipoxygenase homology PLAT domains 1; minus strand). Cytogenetic location: 18q21.1.
Variant type: single nucleotide variant.
Coding change: c.611-15T>C on transcript NM_001384474.1 (MANE Select); 15 bases into the intron before coding-DNA position 611, T replaced by C.
Molecular consequence: intron variant.
Genome position (GRCh38, 1-based): chr18:46,610,939, A>G on the plus strand (T>C on the coding strand, the complement: LOXHD1 is on the minus strand). VCF-style: chr18-46610939-A-G. GRCh37 (hg19) VCF-style: chr18-44190902-A-G.
Other names: c.611-15T>C (NM_144612.7).
Identifiers: ClinVar variation 178404 (VCV000178404.19), dbSNP rs146912450, ClinGen allele CA182261.

ClinVar aggregate classification (germline): Conflicting classifications of pathogenicity. Review status: criteria provided, conflicting classifications (1 of 4 stars). 5 submissions from 5 submitters: Uncertain significance (1); Benign (2); Likely benign (1). 1 of the submissions does not count toward it. Last evaluated 2026-01-28.

Conditions:
Autosomal recessive nonsyndromic hearing loss 77. Identifiers: Orphanet 90636, MedGen C2746083, MONDO:0013119, OMIM 613079.

Allele frequency attached by ClinVar (database versions not stated): gnomAD exomes 0.00054 and 0.00130; ExAC 0.00158; ESP Exome Variant Server 0.00350; gnomAD 0.00610 and 0.00662; 1000 Genomes Project 0.00619; 1000 Genomes Project 30x 0.00625; TOPMed 0.00671.
gnomAD v4.1: 1,713 of 1,549,642 alleles (0.11%); highest among the groups gnomAD compares: African/African-American, 2.1%; 21 homozygotes.

Submissions (5):

Labcorp Genetics (formerly Invitae), Labcorp
Classification: Benign. Last evaluated: 2026-01-28. Review status: criteria provided, single submitter. Criteria: Invitae Variant Classification Sherloc (09022015). Collection method: clinical testing. Allele origin: germline.

GeneDx
Classification: Likely benign. Last evaluated: 2018-09-26. Review status: criteria provided, single submitter. Criteria: GeneDx Variant Classification Process June 2021. Collection method: clinical testing. Allele origin: germline. Affected: yes.

Illumina Laboratory Services, Illumina
Classification: Uncertain significance for Autosomal recessive nonsyndromic hearing loss 77. Last evaluated: 2018-01-13. Review status: criteria provided, single submitter. Criteria: ICSL Variant Classification Criteria 13 December 2019. Collection method: clinical testing. Allele origin: germline.

Laboratory for Molecular Medicine, Mass General Brigham Personalized Medicine
Classification: Benign. Last evaluated: 2014-09-09. Review status: criteria provided, single submitter. Criteria: LMM Criteria. Collection method: clinical testing. Allele origin: germline. Observed: 8 variant alleles.
Comment: 611-15T>C in Intron 05 of LOXHD1: This variant is not expected to have clinical significance It has been identified in 1.2% (16/1368) of African American chrom osomes by the NHLBI Exome Sequencing Project (dbSNP rs146912450). In addition, a T>C change at this position does not diverge from the splice consensus sequence and is therefore unlikely to impact splicing.

Counsyl
Classification: Likely benign for Autosomal recessive nonsyndromic hearing loss 77. Last evaluated: 2017-06-13. Review status: no assertion criteria provided. Collection method: clinical testing. Allele origin: unknown. Not counted in ClinVar's aggregate classification.